The following is an entry in ClinVar:

NM_015295.3(SMCHD1):c.4076T>C (p.Leu1359Ser)

Gene: SMCHD1 (structural maintenance of chromosomes flexible hinge domain containing 1; plus strand). Cytogenetic location: 18p11.32.
Variant type: single nucleotide variant.
Coding change: c.4076T>C on transcript NM_015295.3 (MANE Select); coding-DNA position 4076, T replaced by C.
Protein change: p.Leu1359Ser; replaces leucine 1359 with serine.
Molecular consequence: missense variant.
Genome position (GRCh38, 1-based): chr18:2,750,418, T>C. VCF-style: chr18-2750418-T-C. GRCh37 (hg19) VCF-style: chr18-2750416-T-C.
Other names: short protein forms L1359S.
Identifiers: ClinVar variation 3375834 (VCV003375834.1).

ClinVar aggregate classification (germline): Uncertain significance (1 of 4 stars; one submission).

Submission:

GeneDx
Classification: Uncertain significance. Last evaluated: 2024-05-05. Review status: criteria provided, single submitter. Criteria: GeneDx Variant Classification Process June 2021. Collection method: clinical testing. Allele origin: germline. Affected: yes.
Comment: Not observed at significant frequency in large population cohorts (gnomAD); In silico analysis supports that this missense variant has a deleterious effect on protein structure/function; Has not been previously published as pathogenic or benign to our knowledge